The following is an entry in ClinVar:

NM_006785.4(MALT1):c.106C>T (p.Pro36Ser)

Genes: MALT1 (MALT1 paracaspase; plus strand), MALT1-AS1 (MALT1 antisense RNA 1; minus strand), LOC130062586 (ATAC-STARR-seq lymphoblastoid silent region 9487; plus strand). Cytogenetic location: 18q21.32.
Variant type: single nucleotide variant.
Coding change: c.106C>T on transcript NM_006785.4 (MANE Select); coding-DNA position 106, C replaced by T.
Protein change: p.Pro36Ser; replaces proline 36 with serine.
Molecular consequence: missense variant. On other transcripts: non-coding transcript variant (1).
Genome position (GRCh38, 1-based): chr18:58,671,749, C>T. VCF-style: chr18-58671749-C-T. GRCh37 (hg19) VCF-style: chr18-56338981-C-T.
Other names: c.106C>T, p.Pro36Ser (NM_173844.3); short protein forms P36S.
Identifiers: ClinVar variation 636845 (VCV000636845.51), dbSNP rs866625194, ClinGen allele CA300934678.

ClinVar aggregate classification (germline): Uncertain significance. Review status: criteria provided, multiple submitters, no conflicts (2 of 4 stars). 4 submissions from 4 submitters: Uncertain significance (4). Last evaluated 2025-11-09.

Conditions:
Combined immunodeficiency due to MALT1 deficiency. Also called: Immunodeficiency 12. Identifiers: Orphanet 397964, MedGen C3809583, MONDO:0014197, OMIM 615468.

Allele frequency attached by ClinVar (database versions not stated): gnomAD exomes 0.00001; TOPMed 0.00001.
gnomAD v4.1: 11 of 1,276,256 alleles (0.00086%); highest among the groups gnomAD compares: Middle Eastern, 0.12%; no homozygotes.

Submissions (4):

Labcorp Genetics (formerly Invitae), Labcorp
Classification: Uncertain significance for Combined immunodeficiency due to MALT1 deficiency. Last evaluated: 2025-11-09. Review status: criteria provided, single submitter. Criteria: Invitae Variant Classification Sherloc (09022015). Collection method: clinical testing. Allele origin: germline.
Comment: This sequence change replaces proline, which is neutral and non-polar, with serine, which is neutral and polar, at codon 36 of the MALT1 protein (p.Pro36Ser). This variant is not present in population databases (gnomAD no frequency). This variant has not been reported in the literature in individuals affected with MALT1-related conditions. ClinVar contains an entry for this variant (Variation ID: 636845). An algorithm developed to predict the effect of missense changes on protein structure and function (PolyPhen-2) suggests that this variant is likely to be disruptive. In summary, the available evidence is currently insufficient to determine the role of this variant in disease. Therefore, it has been classified as a Variant of Uncertain Significance.

Blueprint Genetics
Classification: Uncertain significance. Last evaluated: 2024-04-11. Review status: criteria provided, single submitter. Criteria: ACMG Guidelines, 2015. Collection method: clinical testing. Allele origin: germline.

CeGaT Center for Human Genetics Tuebingen
Classification: Uncertain significance. Last evaluated: 2016-05-01. Review status: criteria provided, single submitter. Criteria: CeGaT Center For Human Genetics Tuebingen Variant Classification Criteria Version 2. Collection method: clinical testing. Allele origin: germline. Affected: yes. Observed: 1 variant allele.

Breakthrough Genomics
Classification: Uncertain significance. Review status: criteria provided, single submitter. Criteria: ACMG Guidelines, 2015. Collection method: not provided. Allele origin: germline. Inheritance: Autosomal recessive inheritance. Affected: yes.